The following is an entry in ClinVar:

NM_170707.4(LMNA):c.1158-3C>T

Gene: LMNA (lamin A/C; plus strand). Cytogenetic location: 1q22.
Variant type: single nucleotide variant.
Coding change: c.1158-3C>T on transcript NM_170707.4 (MANE Select); 3 bases into the intron before coding-DNA position 1158, C replaced by T.
Molecular consequence: intron variant.
Genome position (GRCh38, 1-based): chr1:156,136,211, C>T. VCF-style: chr1-156136211-C-T. GRCh37 (hg19) VCF-style: chr1-156106002-C-T.
Other names: c.1158-3C>T (NM_001282625.2, NM_001282626.2, NM_170708.4 and 1 more transcripts); c.822-3C>T (NM_001257374.3); c.915-3C>T (NM_001282624.2).
Identifiers: ClinVar variation 163871 (VCV000163871.8), dbSNP rs727503136, ClinGen allele CA016764.

ClinVar aggregate classification (germline): Conflicting classifications of pathogenicity. Review status: criteria provided, conflicting classifications (1 of 4 stars). 4 submissions from 4 submitters: Pathogenic (2); Uncertain significance (1); Likely benign (1). Last evaluated 2025-12-04.

Conditions:
Charcot-Marie-Tooth disease type 2. Also called: Charcot-Marie-Tooth type 2. Identifiers: Orphanet 64746, MedGen C0270914, MONDO:0018993.
Primary dilated cardiomyopathy (DCM). Also called: Dilated Cardiomyopathy. Identifiers: Orphanet 217604, MedGen C0007193, MeSH D002311, MONDO:0005021, HP:0001644. Inheritance: Various modes of inheritance.
LMNA-related disorder. Also called: LMNA-related condition; LMNA-related disease; LMNA-related disorders. Identifiers: MedGen CN380145.

Allele frequency attached by ClinVar (database versions not stated): TOPMed below 0.00001.

Submissions (4):

3billion
Classification: Pathogenic for LMNA-related disorder. Last evaluated: 2025-12-04. Review status: criteria provided, single submitter. Criteria: ACMG Guidelines, 2015. Collection method: clinical testing. Allele origin: germline. Affected: yes.
Comment: The variant is not observed in the gnomAD v4.1.0 dataset. Predicted Consequence/Location: Intron variant: previously reported to alter splicing and result in a loss of normal protein function through nonsense-mediated decay (NMD) or protein truncation (PMID: 36526864). In silico tools do not predict the variant to alter splicing and produce an abnormal transcript [SpliceAI: 0.05 (<=0.1, moderate evidence for non-spliceogenicity)]. However, functional analysis demonstrated that the variant alters splicing, leading to nonsense-mediated decay (NMD) (PMID: 36526864). Intron variant: previously reported to alter splicing and result in a loss of normal protein function through nonsense-mediated decay (NMD) or protein truncation (PMID: 36526864). Therefore, this variant is classified as Pathogenic according to the recommendation of ACMG/AMP guideline.

Labcorp Genetics (formerly Invitae), Labcorp
Classification: Pathogenic for Charcot-Marie-Tooth disease type 2. Last evaluated: 2025-04-08. Review status: criteria provided, single submitter. Criteria: Invitae Variant Classification Sherloc (09022015). Collection method: clinical testing. Allele origin: germline.
Comment: This sequence change falls in intron 6 of the LMNA gene. It does not directly change the encoded amino acid sequence of the LMNA protein. It affects a nucleotide within the consensus splice site. This variant is not present in population databases (gnomAD no frequency). This variant has been observed in individual(s) with laminopathies (PMID: 36526864). In at least one individual the variant was observed to be de novo. ClinVar contains an entry for this variant (Variation ID: 163871). Studies have shown that this variant alters LMNA gene expression (PMID: 36526864). Variants that disrupt the consensus splice site are a relatively common cause of aberrant splicing (PMID: 17576681, 9536098). Algorithms developed to predict the effect of sequence changes on RNA splicing suggest that this variant is not likely to affect RNA splicing. For these reasons, this variant has been classified as Pathogenic.

All of Us Research Program, National Institutes of Health
Classification: Likely benign for Primary dilated cardiomyopathy. Last evaluated: 2023-03-23. Review status: criteria provided, single submitter. Criteria: ACMG Guidelines, 2015. Collection method: clinical testing. Allele origin: germline. Inheritance: Autosomal dominant inheritance. Observed: 1 variant allele, 1 heterozygote.
Comment: This study involves interpretation of variants in research participants for the purpose of population health screening. Participant phenotype was not available at the time of variant classification. Additional details can be found in publication PMID: 35346344, PMCID: PMC8962531

Laboratory for Molecular Medicine, Mass General Brigham Personalized Medicine
Classification: Uncertain significance. Last evaluated: 2014-04-01. Review status: criteria provided, single submitter. Criteria: LMM Criteria. Collection method: clinical testing. Allele origin: germline. Observed: 1 variant allele.
Comment: The 1158-3C>T variant in LMNA has not been previously reported in individuals wi th cardiomyopathy or in large population studies. This variant is located in the 3' splice region. Computational tools do not suggest an impact to splicing. How ever, this information is not predictive enough to rule out pathogenicity. Addit ional information is needed to fully assess the clinical significance of the var iant.

Literature cited by the submitters: PubMed 36526864 (cited by 3billion and Labcorp Genetics (formerly Invitae), Labcorp); PubMed 17576681 (cited by Labcorp Genetics (formerly Invitae), Labcorp); PubMed 9536098 (cited by Labcorp Genetics (formerly Invitae), Labcorp).